The following is an entry in ClinVar:

NM_138694.4(PKHD1):c.4705T>C (p.Phe1569Leu)

Genes: PKHD1 (PKHD1 ciliary IPT domain containing fibrocystin/polyductin; minus strand), LOC126859690 (MED14-independent group 3 enhancer GRCh37_chr6:51888848-51890047; plus strand). Cytogenetic location: 6p12.2.
Variant type: single nucleotide variant.
Coding change: c.4705T>C on transcript NM_138694.4 (MANE Select); coding-DNA position 4705, T replaced by C.
Protein change: p.Phe1569Leu; replaces phenylalanine 1569 with leucine.
Molecular consequence: missense variant.
Genome position (GRCh38, 1-based): chr6:52,025,105, A>G on the plus strand (T>C on the coding strand, the complement: PKHD1 is on the minus strand). VCF-style: chr6-52025105-A-G. GRCh37 (hg19) VCF-style: chr6-51889903-A-G.
Other names: c.4705T>C, p.Phe1569Leu (NM_170724.3); short protein forms F1569L.
Identifiers: ClinVar variation 4997322 (VCV004997322.1).
Genomic context (GRCh38, chr6:52,025,105, plus strand): 5'-TTCCACCATGTAAGCTGAAATTCTTAGGAAAATAATGAAACACTTGGGGCATAATGTAGA[A>G]GTGTCTGGAAACATTACCAGAACAAGCATACCCATTTCTTGTATAAAAAACTGACAGGTA-3'
Protein context (NP_619639.3, residues 1559-1579): YACSGNVSRH[Phe1569Leu]YIMPQVFHYF

ClinVar aggregate classification (germline): Uncertain significance (1 of 4 stars; one submission).

Conditions:
PKHD1-related disorder. Also called: PKHD1-related condition.

Submission:

PreventionGenetics, part of Exact Sciences
Classification: Uncertain significance for PKHD1-related condition. Last evaluated: 2025-06-16. Review status: criteria provided, single submitter. Criteria: ACMG Guidelines, 2015. Collection method: clinical testing. Allele origin: germline.
Comment: The PKHD1 c.4705T>C variant is predicted to result in the amino acid substitution p.Phe1569Leu. To our knowledge, this variant has not been reported in the literature or in a large population database (gnomAD), indicating this variant is rare. At this time, the clinical significance of this variant is uncertain due to the absence of conclusive functional and genetic evidence.